The following is an entry in ClinVar:

ClinVar aggregate classification (germline): Uncertain significance. Review status: criteria provided, multiple submitters, no conflicts (2 of 4 stars). 2 submissions from 2 submitters: Uncertain significance (2). Last evaluated 2019-03-18.

Conditions:
Hypercholesterolemia, autosomal dominant, type B (FHCL2). Also called: APOB-Related Familial Hypercholesterolemia, Autosomal Dominant; HYPERCHOLESTEROLEMIA, FAMILIAL, DUE TO LIGAND-DEFECTIVE APOLIPOPROTEIN B; Familial Hypercholesterolemia Type B; APOLIPOPROTEIN B-100, FAMILIAL DEFECTIVE; APOLIPOPROTEIN B-100, FAMILIAL LIGAND-DEFECTIVE; Hyperlipoproteinemia Type IIb. Identifiers: MedGen C1704417, MONDO:0007751, OMIM 144010.
Familial hypobetalipoproteinemia 1. Also called: APOB-Related Familial Hypobetalipoproteinemia; Hypobetalipoproteinemia, normotriglyceridemic; Acanthocytosis with hypobetalipoproteinemia. Identifiers: MedGen C4551990, MONDO:0014252, OMIM 615558.

Allele frequency attached by ClinVar (database versions not stated): gnomAD exomes below 0.00001.
gnomAD v4.1: 1 of 1,614,232 alleles (0.000062%); highest among the groups gnomAD compares: Non-Finnish European, 0.000085%; no homozygotes.

Submissions (2):

Blueprint Genetics
Classification: Uncertain significance. Last evaluated: 2019-03-18. Review status: criteria provided, single submitter. Criteria: ACMG Guidelines, 2015. Collection method: clinical testing. Allele origin: germline.

Labcorp Genetics (formerly Invitae), Labcorp
Classification: Uncertain significance for Familial hypobetalipoproteinemia 1; Hypercholesterolemia, autosomal dominant, type B. Last evaluated: 2019-02-04. Review status: criteria provided, single submitter. Criteria: Invitae Variant Classification Sherloc (09022015). Collection method: clinical testing. Allele origin: germline.
Comment: In summary, the available evidence is currently insufficient to determine the role of this variant in disease. Therefore, it has been classified as a Variant of Uncertain Significance. Algorithms developed to predict the effect of missense changes on protein structure and function are either unavailable or do not agree on the potential impact of this missense change (SIFT: "Deleterious"; PolyPhen-2: "Probably Damaging"; Align-GVGD: "Class C0"). This variant has not been reported in the literature in individuals with APOB-related conditions. This variant is not present in population databases (ExAC no frequency). This sequence change replaces serine with proline at codon 1763 of the APOB protein (p.Ser1763Pro). The serine residue is moderately conserved and there is a moderate physicochemical difference between serine and proline.

NM_000384.3(APOB):c.5287T>C (p.Ser1763Pro)

Gene: APOB (apolipoprotein B; minus strand). Cytogenetic location: 2p24.1.
Variant type: single nucleotide variant.
Coding change: c.5287T>C on transcript NM_000384.3 (MANE Select); coding-DNA position 5287, T replaced by C.
Protein change: p.Ser1763Pro; replaces serine 1763 with proline.
Molecular consequence: missense variant.
Genome position (GRCh38, 1-based): chr2:21,011,581, A>G on the plus strand (T>C on the coding strand, the complement: APOB is on the minus strand). VCF-style: chr2-21011581-A-G. GRCh37 (hg19) VCF-style: chr2-21234453-A-G.
Other names: short protein forms S1763P.
Identifiers: ClinVar variation 845929 (VCV000845929.13), dbSNP rs1663321916, ClinGen allele CA346005057.